The following is an entry in ClinVar:

ClinVar aggregate classification (germline): Uncertain significance. Review status: criteria provided, multiple submitters, no conflicts (2 of 4 stars). 4 submissions from 4 submitters: Uncertain significance (4). Last evaluated 2026-02-11.

Conditions:
COL4A4-related disorder.
Autosomal recessive Alport syndrome (ATS2). Also called: ALPORT SYNDROME 2, AUTOSOMAL RECESSIVE; COL4A3-Related Nephropathy; Alport syndrome type 2; COL4A4 Alport Syndrome and Thin Basement Membrane Nephropathy. Identifiers: Orphanet 63, Orphanet 88919, MedGen C4746745, MONDO:0008762, OMIM 203780.

Allele frequency attached by ClinVar (database versions not stated): gnomAD 0.00001; ExAC 0.00002; gnomAD exomes 0.00002; TOPMed 0.00002; 1000 Genomes Project 30x 0.00016; 1000 Genomes Project 0.00020.
gnomAD v4.1: 34 of 1,614,132 alleles (0.0021%); highest among the groups gnomAD compares: Middle Eastern, 0.016%; no homozygotes.

Submissions (4):

PreventionGenetics, part of Exact Sciences
Classification: Uncertain significance for COL4A4-related condition. Last evaluated: 2026-02-11. Review status: criteria provided, single submitter. Criteria: ACMG Guidelines, 2015. Collection method: clinical testing. Allele origin: germline.
Comment: The COL4A4 c.4130G>A variant is predicted to result in the amino acid substitution p.Arg1377Gln. To our knowledge, this variant has not been reported in the literature. This variant is reported in 0.0087% of alleles in individuals of Latino descent in gnomAD. At this time, the clinical significance of this variant is uncertain due to the absence of conclusive functional and genetic evidence.

Women's Health and Genetics/Laboratory Corporation of America, LabCorp
Classification: Uncertain significance. Last evaluated: 2024-12-13. Review status: criteria provided, single submitter. Criteria: LabCorp Variant Classification Summary - May 2015. Collection method: clinical testing. Allele origin: germline.
Comment: Variant summary: COL4A4 c.4130G>A (p.Arg1377Gln) results in a conservative amino acid change in the encoded protein sequence. Five of five in-silico tools predict a benign effect of the variant on protein function. The variant allele was found at a frequency of 2.4e-05 in 248926 control chromosomes. The available data on variant occurrences in the general population are insufficient to allow any conclusion about variant significance. To our knowledge, no occurrence of c.4130G>A in individuals affected with Alport Syndrome and no experimental evidence demonstrating its impact on protein function have been reported. ClinVar contains an entry for this variant (Variation ID: 982739). Based on the evidence outlined above, the variant was classified as uncertain significance.

Centre of Medical Genetics, University Hospital Muenster
Classification: Uncertain significance. Last evaluated: 2023-02-17. Review status: criteria provided, single submitter. Criteria: ACMG Guidelines, 2015. Collection method: clinical testing. Allele origin: unknown. Affected: yes. Observed: 1 variant allele, 1 heterozygote.
Comment: ACMG categories: BS2

Institute of Human Genetics, University of Leipzig Medical Center
Classification: Uncertain significance for Autosomal recessive Alport syndrome. Last evaluated: 2019-01-01. Review status: criteria provided, single submitter. Criteria: ACMG Guidelines, 2015. Collection method: clinical testing. Allele origin: unknown. Affected: no.

NM_000092.5(COL4A4):c.4130G>A (p.Arg1377Gln)

Gene: COL4A4 (collagen type IV alpha 4 chain; minus strand). Cytogenetic location: 2q36.3.
Variant type: single nucleotide variant.
Coding change: c.4130G>A on transcript NM_000092.5 (MANE Select); coding-DNA position 4130, G replaced by A.
Protein change: p.Arg1377Gln; replaces arginine 1377 with glutamine.
Molecular consequence: missense variant.
Genome position (GRCh38, 1-based): chr2:227,022,134, C>T on the plus strand (G>A on the coding strand, the complement: COL4A4 is on the minus strand). VCF-style: chr2-227022134-C-T. GRCh37 (hg19) VCF-style: chr2-227886850-C-T.
Other names: short protein forms R1377Q.
Identifiers: ClinVar variation 982739 (VCV000982739.5), dbSNP rs559719653, ClinGen allele CA2144268.
Genomic context (GRCh38, chr2:227,022,134, plus strand): 5'-GGGAGCCCCATGGCTCCTTCTGGTCCTCTCATGCCTGGCGCCCCAGGAAGGCCTGGGATT[C>T]GGGGACAGTCATCCACATCTGCAGGTGGCCCCGGTTCACCTGAAATTGGAATCACCGCTT-3'
Protein context (NP_000083.3, residues 1367-1387): GPPADVDDCP[Arg1377Gln]IPGLPGAPGM